The following is an entry in ClinVar:

NM_017827.4(SARS2):c.1414_1415delinsCT (p.Asp472Leu)

Gene: SARS2 (seryl-tRNA synthetase 2, mitochondrial; minus strand). Cytogenetic location: 19q13.2.
Variant type: Indel.
Coding change: c.1414_1415delinsCT on transcript NM_017827.4 (MANE Select); coding-DNA positions 1414 to 1415, GA replaced by CT.
Protein change: p.Asp472Leu; replaces aspartic acid 472 with leucine.
Molecular consequence: missense variant.
Genome position (GRCh38, 1-based): chr19:38,915,748-38,915,749, TC replaced by AG on the plus strand (GA replaced by CT on the coding strand, the reverse complement: SARS2 is on the minus strand). VCF-style: chr19-38915748-TC-AG. GRCh37 (hg19) VCF-style: chr19-39406388-TC-AG.
Other names: p.Asp472Leu; c.1420_1421delinsCT, p.Asp474Leu (NM_001145901.2); short protein forms D472L, D474L.
Identifiers: ClinVar variation 3380616 (VCV003380616.1).

ClinVar aggregate classification (germline): Uncertain significance (1 of 4 stars; one submission).

Submission:

Mayo Clinic Laboratories, Mayo Clinic
Classification: Uncertain significance. Last evaluated: 2023-12-08. Review status: criteria provided, single submitter. Criteria: ACMG Guidelines, 2015. Collection method: clinical testing. Allele origin: germline. Observed: 1 variant allele.
Comment: PM2_moderate